The following is an entry in ClinVar:

NM_000179.3(MSH6):c.2222dup (p.Asn741fs)

Gene: MSH6 (mutS homolog 6; plus strand). Cytogenetic location: 2p16.3.
Variant type: Duplication.
Coding change: c.2222dup on transcript NM_000179.3 (MANE Select); coding-DNA position 2222, one base duplicated (A; older notation c.2222dupA).
Protein change: p.Asn741fs; shifts the reading frame from asparagine 741.
Molecular consequence: frameshift variant. On other transcripts: non-coding transcript variant (5), intron variant (2).
Genome position (GRCh38, 1-based): chr2:47,800,205, A duplicated; the last of 3 consecutive A bases (chr2:47,800,203-47,800,205); duplicating any one gives the same sequence. VCF-style (leftmost placement, unchanged base first): chr2-47800202-T-TA. GRCh37 (hg19) VCF-style: chr2-48027341-T-TA.
Other names: c.1925dup, p.Asn642fs (NM_001406825.1, NM_001406827.1, NM_001406828.1 and 10 more transcripts); c.2054dup, p.Asn685fs (NM_001406826.1); c.1316dup, p.Asn439fs (NM_001406829.1, NM_001281493.2, NM_001281494.2 and 6 more transcripts); c.1606+616dup (NM_001406817.1); c.628-461dup (NM_001407362.1); c.1832dup, p.Asn611fs (NM_001281492.2); c.2318dup, p.Asn773fs (NM_001406795.1, NM_001406802.1); c.2222dup, p.Asn741fs (NM_001406796.1, NM_001406798.1, NM_001406800.1 and 3 more transcripts); and 4 more; short protein forms N439fs, N566fs, N611fs, N642fs, N685fs, N715fs, N741fs, N743fs.
Identifiers: ClinVar variation 3256381 (VCV003256381.5).

ClinVar aggregate classification (germline): Likely pathogenic. Review status: criteria provided, multiple submitters, no conflicts (2 of 4 stars). 2 submissions from 2 submitters: Likely pathogenic (2). Last evaluated 2025-12-29.

Conditions:
Lynch syndrome. Identifiers: Orphanet 144, MedGen C4552100, MONDO:0005835. Disease mechanism: loss of function.

Submissions (2):

Center for Genomic Medicine, Rigshospitalet, Copenhagen University Hospital
Classification: Likely pathogenic. Last evaluated: 2025-12-29. Review status: criteria provided, single submitter. Criteria: ACMG Guidelines, 2015. Collection method: clinical testing. Allele origin: germline.
Comment: Classification criteria: PVS1, PM2_supporting

Department of Clinical Genetics, Copenhagen University Hospital, Rigshospitalet
Classification: Likely pathogenic for Lynch syndrome. Last evaluated: 2025-02-04. Review status: criteria provided, single submitter. Criteria: ACMG Guidelines, 2015. Collection method: clinical testing. Allele origin: germline.
Comment: PVS1; PM2_SUP;